The following is an entry in ClinVar:

NM_000548.5(TSC2):c.1011G>C (p.Glu337Asp)

Gene: TSC2 (TSC complex subunit 2; plus strand). Cytogenetic location: 16p13.3.
Variant type: single nucleotide variant.
Coding change: c.1011G>C on transcript NM_000548.5 (MANE Select); coding-DNA position 1011, G replaced by C.
Protein change: p.Glu337Asp; replaces glutamic acid 337 with aspartic acid.
Molecular consequence: missense variant. On other transcripts: 5 prime UTR variant (10), non-coding transcript variant (5).
Genome position (GRCh38, 1-based): chr16:2,060,705, G>C. VCF-style: chr16-2060705-G-C. GRCh37 (hg19) VCF-style: chr16-2110706-G-C.
Other names: c.999G>C, p.Glu333Asp (NM_001406673.1, NM_001406671.1); c.864G>C, p.Glu288Asp (NM_001406675.1, NM_001406676.1, NM_001318829.2 and 1 more transcripts); c.954G>C, p.Glu318Asp (NM_001406677.1); c.900G>C, p.Glu300Asp (NM_001406678.1, NM_001318827.2, NM_001406670.1); c.1011G>C, p.Glu337Asp (NM_001077183.3, NM_001114382.3, NM_001363528.2 and 6 more transcripts); c.411G>C, p.Glu137Asp (NM_001318831.2, NM_001406680.1, NM_001406682.1 and 6 more transcripts); c.1044G>C, p.Glu348Asp (NM_001318832.2); c.549G>C, p.Glu183Asp (NM_001406681.1); and 4 more; short protein forms E183D, E288D, E300D, E318D, E337D, E348D, E367D, E137D.
Identifiers: ClinVar variation 2876774 (VCV002876774.5), dbSNP rs2151135622, ClinGen allele CA394317474.
Genomic context (GRCh38, chr16:2,060,705, plus strand): 5'-TGTGCTGGCCGGGCTCGTGTTCCAGGCCATGGCATGTCCGAACGAGGTGGTGTCCTATGA[G>C]ATCGTCCTGTCCATCACCAGGCTCATCAAGAAGTATAGGAAGGAGCTCCAGGTGGTGGCG-3'
Protein context (NP_000539.2, residues 327-347): MACPNEVVSY[Glu337Asp]IVLSITRLIK

ClinVar aggregate classification (germline): Uncertain significance. Review status: criteria provided, multiple submitters, no conflicts (2 of 4 stars). 3 submissions from 3 submitters: Uncertain significance (3). Last evaluated 2025-11-05.

Conditions:
Tuberous sclerosis 2 (TSC2). Identifiers: Orphanet 805, MedGen C1860707, MONDO:0013199, OMIM 613254.
Hereditary cancer-predisposing syndrome. Also called: Hereditary Cancer Syndrome; Hereditary neoplastic syndrome; Neoplastic Syndromes, Hereditary; Tumor predisposition. Identifiers: Orphanet 140162, MedGen C0027672, MeSH D009386, MONDO:0015356.

Submissions (3):

Labcorp Genetics (formerly Invitae), Labcorp
Classification: Uncertain significance for Tuberous sclerosis 2. Last evaluated: 2025-11-05. Review status: criteria provided, single submitter. Criteria: Invitae Variant Classification Sherloc (09022015). Collection method: clinical testing. Allele origin: germline.
Comment: This sequence change replaces glutamic acid, which is acidic and polar, with aspartic acid, which is acidic and polar, at codon 337 of the TSC2 protein (p.Glu337Asp). This variant is not present in population databases (gnomAD no frequency). This variant has not been reported in the literature in individuals affected with TSC2-related conditions. ClinVar contains an entry for this variant (Variation ID: 2876774). Invitae Evidence Modeling of protein sequence and biophysical properties (such as structural, functional, and spatial information, amino acid conservation, physicochemical variation, residue mobility, and thermodynamic stability) indicates that this missense variant is not expected to disrupt TSC2 protein function with a negative predictive value of 95%. Studies have shown that this missense change is associated with inconclusive levels of altered splicing (internal data). In summary, the available evidence is currently insufficient to determine the role of this variant in disease. Therefore, it has been classified as a Variant of Uncertain Significance.

Ambry Genetics
Classification: Uncertain significance for Hereditary cancer-predisposing syndrome. Last evaluated: 2024-03-21. Review status: criteria provided, single submitter. Criteria: Ambry Variant Classification Scheme 2023. Collection method: clinical testing. Allele origin: germline.
Comment: The p.E337D variant (also known as c.1011G>C), located in coding exon 10 of the TSC2 gene, results from a G to C substitution at nucleotide position 1011. The glutamic acid at codon 337 is replaced by aspartic acid, an amino acid with highly similar properties. This amino acid position is conserved. In addition, this alteration is predicted to be deleterious by in silico analysis. Based on the available evidence, the clinical significance of this alteration remains unclear.

GeneDx
Classification: Uncertain significance. Last evaluated: 2023-12-20. Review status: criteria provided, single submitter. Criteria: GeneDx Variant Classification Process June 2021. Collection method: clinical testing. Allele origin: germline. Affected: yes.
Comment: Not observed at significant frequency in large population cohorts (gnomAD); In silico analysis supports that this missense variant has a deleterious effect on protein structure/function; Has not been previously published as pathogenic or benign to our knowledge; In silico analysis suggests this variant may impact gene splicing. In the absence of RNA/functional studies, the actual effect of this sequence change is unknown.; This variant is associated with the following publications: (PMID: 18466115)